The following is an entry in ClinVar:

NM_001130438.3(SPTAN1):c.4514A>T (p.Gln1505Leu)

Gene: SPTAN1 (spectrin alpha, non-erythrocytic 1; plus strand). Cytogenetic location: 9q34.11.
Variant type: single nucleotide variant.
Coding change: c.4514A>T on transcript NM_001130438.3 (MANE Select); coding-DNA position 4514, A replaced by T.
Protein change: p.Gln1505Leu; replaces glutamine 1505 with leucine.
Molecular consequence: missense variant.
Genome position (GRCh38, 1-based): chr9:128,608,896, A>T. VCF-style: chr9-128608896-A-T. GRCh37 (hg19) VCF-style: chr9-131371175-A-T.
Other names: c.4454A>T, p.Gln1485Leu (NM_001195532.2, NM_001363765.2, NM_001375314.2); c.4514A>T, p.Gln1505Leu (NM_001363759.2, NM_001375310.1, NM_001375311.2 and 2 more transcripts); c.4550A>T, p.Gln1517Leu (NM_001375312.2, NM_001375318.1); short protein forms Q1485L, Q1505L, Q1517L.
Identifiers: ClinVar variation 1379084 (VCV001379084.9), dbSNP rs2131630842, ClinGen allele CA375068253.

ClinVar aggregate classification (germline): Uncertain significance (1 of 4 stars; one submission).

Conditions:
Early-infantile DEE. Also called: Ohtahara syndrome; Early infantile epileptic encephalopathy; Early infantile epileptic encephalopathy with suppression bursts. Identifiers: Orphanet 1934, MedGen C0393706, MONDO:0800491.

Submission:

Labcorp Genetics (formerly Invitae), Labcorp
Classification: Uncertain significance for Early-infantile DEE. Last evaluated: 2022-03-23. Review status: criteria provided, single submitter. Criteria: Invitae Variant Classification Sherloc (09022015). Collection method: clinical testing. Allele origin: germline.
Comment: This sequence change replaces glutamine, which is neutral and polar, with leucine, which is neutral and non-polar, at codon 1505 of the SPTAN1 protein (p.Gln1505Leu). This variant is not present in population databases (gnomAD no frequency). This variant has not been reported in the literature in individuals affected with SPTAN1-related conditions. Algorithms developed to predict the effect of missense changes on protein structure and function are either unavailable or do not agree on the potential impact of this missense change (SIFT: "Deleterious"; PolyPhen-2: "Not Available"; Align-GVGD: "Class C25"). In summary, the available evidence is currently insufficient to determine the role of this variant in disease. Therefore, it has been classified as a Variant of Uncertain Significance.